The following is an entry in ClinVar:

ClinVar aggregate classification (germline): Uncertain significance (1 of 4 stars; one submission).

Conditions:
Hereditary cancer-predisposing syndrome. Also called: Hereditary Cancer Syndrome; Hereditary neoplastic syndrome; Tumor predisposition; Neoplastic Syndromes, Hereditary. Identifiers: Orphanet 140162, MedGen C0027672, MeSH D009386, MONDO:0015356.

Submission:

Ambry Genetics
Classification: Uncertain significance for Hereditary cancer-predisposing syndrome. Last evaluated: 2024-08-31. Review status: criteria provided, single submitter. Criteria: Ambry Variant Classification Scheme 2023. Collection method: clinical testing. Allele origin: germline.
Comment: The p.I150M variant (also known as c.450C>G), located in coding exon 1 of the ALK gene, results from a C to G substitution at nucleotide position 450. The isoleucine at codon 150 is replaced by methionine, an amino acid with highly similar properties. This amino acid position is conserved. In addition, this alteration is predicted to be tolerated by in silico analysis. Based on the available evidence, the clinical significance of this variant remains unclear.

NM_004304.5(ALK):c.450C>G (p.Ile150Met)

Gene: ALK (ALK receptor tyrosine kinase; minus strand). Cytogenetic location: 2p23.1.
Variant type: single nucleotide variant.
Coding change: c.450C>G on transcript NM_004304.5 (MANE Select); coding-DNA position 450, C replaced by G.
Protein change: p.Ile150Met; replaces isoleucine 150 with methionine.
Molecular consequence: missense variant.
Genome position (GRCh38, 1-based): chr2:29,920,210, G>C on the plus strand (C>G on the coding strand, the complement: ALK is on the minus strand). VCF-style: chr2-29920210-G-C. GRCh37 (hg19) VCF-style: chr2-30143076-G-C.
Other names: short protein forms I150M.
Identifiers: ClinVar variation 3524502 (VCV003524502.1).